The following is an entry in ClinVar:

ClinVar aggregate classification (germline): Uncertain significance (1 of 4 stars; one submission).

Submission:

GeneDx
Classification: Uncertain significance. Last evaluated: 2024-07-04. Review status: criteria provided, single submitter. Criteria: GeneDx Variant Classification Process June 2021. Collection method: clinical testing. Allele origin: germline. Affected: yes.
Comment: Not observed at significant frequency in large population cohorts (gnomAD); In silico analysis supports that this missense variant has a deleterious effect on protein structure/function; Has not been previously published as pathogenic or benign to our knowledge

NM_001791.4(CDC42):c.22G>C (p.Val8Leu)

Gene: CDC42 (cell division cycle 42; plus strand). Cytogenetic location: 1p36.12.
Variant type: single nucleotide variant.
Coding change: c.22G>C on transcript NM_001791.4 (MANE Select); coding-DNA position 22, G replaced by C.
Protein change: p.Val8Leu; replaces valine 8 with leucine.
Molecular consequence: missense variant.
Genome position (GRCh38, 1-based): chr1:22,078,500, G>C. VCF-style: chr1-22078500-G-C. GRCh37 (hg19) VCF-style: chr1-22404993-G-C.
Other names: c.22G>C, p.Val8Leu (NM_001039802.2, NM_044472.3); short protein forms V8L.
Identifiers: ClinVar variation 3393821 (VCV003393821.1).